The following is an entry in ClinVar:

ClinVar aggregate classification (germline): Uncertain significance. Review status: criteria provided, multiple submitters, no conflicts (2 of 4 stars). 2 submissions from 2 submitters: Uncertain significance (2). Last evaluated 2023-01-05.

Conditions:
Myasthenic syndrome, congenital, 22 (CMS22). Also called: PREPL DEFICIENCY. Identifiers: MedGen C4479088, MONDO:0044299, OMIM 616224.
Inborn genetic diseases. Identifiers: MedGen C0950123, MeSH D030342.

Allele frequency attached by ClinVar (database versions not stated): ESP Exome Variant Server 0.00008.

Submissions (2):

Labcorp Genetics (formerly Invitae), Labcorp
Classification: Uncertain significance for Myasthenic syndrome, congenital, 22. Last evaluated: 2023-01-05. Review status: criteria provided, single submitter. Criteria: Invitae Variant Classification Sherloc (09022015). Collection method: clinical testing. Allele origin: germline.
Comment: This variant has not been reported in the literature in individuals affected with PREPL-related conditions. This sequence change replaces arginine, which is basic and polar, with histidine, which is basic and polar, at codon 445 of the PREPL protein (p.Arg445His). This variant is present in population databases (rs140571415, gnomAD 0.006%). Advanced modeling of protein sequence and biophysical properties (such as structural, functional, and spatial information, amino acid conservation, physicochemical variation, residue mobility, and thermodynamic stability) performed at Invitae indicates that this missense variant is not expected to disrupt PREPL protein function. In summary, the available evidence is currently insufficient to determine the role of this variant in disease. Therefore, it has been classified as a Variant of Uncertain Significance.

Ambry Genetics
Classification: Uncertain significance for Inborn genetic diseases. Last evaluated: 2022-08-17. Review status: criteria provided, single submitter. Criteria: Ambry Variant Classification Scheme 2023. Collection method: clinical testing. Allele origin: germline.

NM_001171613.2(PREPL):c.1067G>A (p.Arg356His)

Gene: PREPL (prolyl endopeptidase like; minus strand). Cytogenetic location: 2p21.
Variant type: single nucleotide variant.
Coding change: c.1067G>A on transcript NM_001171613.2 (MANE Select); coding-DNA position 1067, G replaced by A.
Protein change: p.Arg356His; replaces arginine 356 with histidine.
Molecular consequence: missense variant. On other transcripts: intron variant (1).
Genome position (GRCh38, 1-based): chr2:44,332,478, C>T on the plus strand (G>A on the coding strand, the complement: PREPL is on the minus strand). VCF-style: chr2-44332478-C-T. GRCh37 (hg19) VCF-style: chr2-44559617-C-T.
Other names: c.1148G>A, p.Arg383His (NM_001042385.2); c.1334G>A, p.Arg445His (NM_001171603.1, NM_001171606.2, NM_001374275.1 and 2 more transcripts); c.1067G>A, p.Arg356His (NM_001171617.1, NM_001374277.1); c.1156-3366G>A (NM_001042386.2); short protein forms R445H, R356H, R383H.
Identifiers: ClinVar variation 2210618 (VCV002210618.5), dbSNP rs140571415, ClinGen allele CA1641259.